The following is an entry in ClinVar:

ClinVar aggregate classification (germline): Uncertain significance (1 of 4 stars; one submission).

Submission:

Ambry Genetics
Classification: Uncertain significance. Last evaluated: 2024-03-27. Review status: criteria provided, single submitter. Criteria: Ambry Variant Classification Scheme 2023. Collection method: clinical testing. Allele origin: germline.
Comment: The p.P903L variant (also known as c.2708C>T), located in coding exon 24 of the PRKDC gene, results from a C to T substitution at nucleotide position 2708. The proline at codon 903 is replaced by leucine, an amino acid with similar properties. This amino acid position is conserved. In addition, the in silico prediction for this alteration is inconclusive. Based on the available evidence, the clinical significance of this alteration remains unclear.

NM_006904.7(PRKDC):c.2708C>T (p.Pro903Leu)

Gene: PRKDC (protein kinase, DNA-activated, catalytic subunit; minus strand). Cytogenetic location: 8q11.21.
Variant type: single nucleotide variant.
Coding change: c.2708C>T on transcript NM_006904.7 (MANE Select); coding-DNA position 2708, C replaced by T.
Protein change: p.Pro903Leu; replaces proline 903 with leucine.
Molecular consequence: missense variant.
Genome position (GRCh38, 1-based): chr8:47,913,974, G>A on the plus strand (C>T on the coding strand, the complement: PRKDC is on the minus strand). VCF-style: chr8-47913974-G-A. GRCh37 (hg19) VCF-style: chr8-48826534-G-A.
Other names: c.2708C>T, p.Pro903Leu (NM_001081640.2); short protein forms P903L.
Identifiers: ClinVar variation 3310095 (VCV003310095.1).